The following is an entry in ClinVar:

NM_052844.4(DYNC2I2):c.903C>T (p.Ile301=)

Genes: DYNC2I2 (dynein 2 intermediate chain 2; minus strand), LOC126860772 (CDK7 strongly-dependent group 2 enhancer GRCh37_chr9:131396972-131398171; plus strand). Cytogenetic location: 9q34.11.
Variant type: single nucleotide variant.
Coding change: c.903C>T on transcript NM_052844.4 (MANE Select); coding-DNA position 903, C replaced by T.
Protein change: p.Ile301=; no amino-acid change (isoleucine 301 retained).
Molecular consequence: synonymous variant.
Genome position (GRCh38, 1-based): chr9:128,635,170, G>A on the plus strand (C>T on the coding strand, the complement: DYNC2I2 is on the minus strand). VCF-style: chr9-128635170-G-A. GRCh37 (hg19) VCF-style: chr9-131397449-G-A.
Identifiers: ClinVar variation 750558 (VCV000750558.8), dbSNP rs369977994, ClinGen allele CA5266420.

ClinVar aggregate classification (germline): Likely benign. Review status: criteria provided, multiple submitters, no conflicts (2 of 4 stars). 2 submissions from 2 submitters: Likely benign (2). Last evaluated 2026-01-15.

Conditions:
DYNC2I2-related disorder. Also called: DYNC2I2-related condition.
Short-rib thoracic dysplasia 11 with or without polydactyly (SRTD11). Also called: SHORT-RIB THORACIC DYSPLASIA 11 WITHOUT POLYDACTYLY. Identifiers: Orphanet 474, Orphanet 93271, MedGen C3810200, MONDO:0014287, OMIM 615633.

Allele frequency attached by ClinVar (database versions not stated): TOPMed 0.00002.
gnomAD v4.1: 46 of 1,613,494 alleles (0.0029%); highest among the groups gnomAD compares: East Asian, 0.071%; no homozygotes.

Submissions (2):

Labcorp Genetics (formerly Invitae), Labcorp
Classification: Likely benign for Short-rib thoracic dysplasia 11 with or without polydactyly. Last evaluated: 2026-01-15. Review status: criteria provided, single submitter. Criteria: Invitae Variant Classification Sherloc (09022015). Collection method: clinical testing. Allele origin: germline.

PreventionGenetics, part of Exact Sciences
Classification: Likely benign for DYNC2I2-related condition. Last evaluated: 2025-12-03. Review status: criteria provided, single submitter. Criteria: ACMG Guidelines, 2015. Collection method: clinical testing. Allele origin: germline.
Comment: This variant is classified as likely benign based on ACMG/AMP sequence variant interpretation guidelines (Richards et al. 2015 PMID: 25741868, with internal and published modifications).